The following is an entry in ClinVar:

ClinVar aggregate classification (germline): Uncertain significance (1 of 4 stars; one submission).

Conditions:
Neurofibromatosis, type 2 (SWNV). Also called: BILATERAL ACOUSTIC NEUROFIBROMATOSIS; NF2-Related Schwannomatosis; SCHWANNOMATOSIS, VESTIBULAR. Identifiers: Orphanet 637, MedGen C0027832, MONDO:0007039, OMIM 101000. Disease mechanism: loss of function.

Submission:

Labcorp Genetics (formerly Invitae), Labcorp
Classification: Uncertain significance for Neurofibromatosis, type 2. Last evaluated: 2025-03-16. Review status: criteria provided, single submitter. Criteria: Invitae Variant Classification Sherloc (09022015). Collection method: clinical testing. Allele origin: germline.
Comment: This sequence change replaces proline, which is neutral and non-polar, with alanine, which is neutral and non-polar, at codon 488 of the NF2 protein (p.Pro488Ala). This variant is not present in population databases (gnomAD no frequency). This variant has not been reported in the literature in individuals affected with NF2-related conditions. An algorithm developed to predict the effect of missense changes on protein structure and function outputs the following: PolyPhen-2: "Benign". The alanine amino acid residue is found in multiple mammalian species, which suggests that this missense change does not adversely affect protein function. In summary, the available evidence is currently insufficient to determine the role of this variant in disease. Therefore, it has been classified as a Variant of Uncertain Significance.

NM_000268.4(NF2):c.1462C>G (p.Pro488Ala)

Gene: NF2 (NF2, moesin-ezrin-radixin like (MERLIN) tumor suppressor; plus strand). Cytogenetic location: 22q12.2.
Variant type: single nucleotide variant.
Coding change: c.1462C>G on transcript NM_000268.4 (MANE Select); coding-DNA position 1462, C replaced by G.
Protein change: p.Pro488Ala; replaces proline 488 with alanine.
Molecular consequence: missense variant. On other transcripts: non-coding transcript variant (1), intron variant (1).
Genome position (GRCh38, 1-based): chr22:29,678,211, C>G. VCF-style: chr22-29678211-C-G. GRCh37 (hg19) VCF-style: chr22-30074200-C-G.
Other names: c.1339C>G, p.Pro447Ala (NM_001407058.1, NM_181829.3, NM_001407054.1); c.1327C>G, p.Pro443Ala (NM_001407059.1, NM_001407057.1); c.1462C>G, p.Pro488Ala (NM_001407060.1, NM_001407066.1, NM_016418.5 and 2 more transcripts); c.1204C>G, p.Pro402Ala (NM_001407062.1); c.1213C>G, p.Pro405Ala (NM_001407063.1, NM_001407064.1, NM_181830.3 and 1 more transcripts); c.928C>G, p.Pro310Ala (NM_001407065.1); c.1231C>G, p.Pro411Ala (NM_001407067.1); c.1336C>G, p.Pro446Ala (NM_181828.3, NM_001407055.1); and 2 more; short protein forms P402A, P405A, P443A, P450A, P310A, P446A, P411A, P447A.
Identifiers: ClinVar variation 4715150 (VCV004715150.1).